The following is an entry in ClinVar:

NM_138386.3(NAF1):c.1202T>C (p.Met401Thr)

Gene: NAF1 (nuclear assembly factor 1 ribonucleoprotein; minus strand). Cytogenetic location: 4q32.2.
Variant type: single nucleotide variant.
Coding change: c.1202T>C on transcript NM_138386.3 (MANE Select); coding-DNA position 1202, T replaced by C.
Protein change: p.Met401Thr; replaces methionine 401 with threonine.
Molecular consequence: missense variant. On other transcripts: intron variant (1).
Genome position (GRCh38, 1-based): chr4:163,129,180, A>G on the plus strand (T>C on the coding strand, the complement: NAF1 is on the minus strand). VCF-style: chr4-163129180-A-G. GRCh37 (hg19) VCF-style: chr4-164050332-A-G.
Other names: c.1202T>C (NM_138386.2); c.1034-2065T>C (NM_001128931.2); short protein forms M401T.
Identifiers: ClinVar variation 2704248 (VCV002704248.4), dbSNP rs1560784377, ClinGen allele CA358663117.
Genomic context (GRCh38, chr4:163,129,180, plus strand): 5'-TGTGGCATAATGGGATTATTTTGTCTCTGAGAAGGAAATCCTGAAGTCTCCTGAGATACC[A>G]TATGTTCTGAGTTATAGAAATGCTGAGGTGGAGGCCTGCCATGGCAAGATCGAGGGTATC-3'
Protein context (NP_612395.2, residues 391-411): PPQHFYNSEH[Met401Thr]VSQETSGFPS

ClinVar aggregate classification (germline): Uncertain significance. Review status: criteria provided, multiple submitters, no conflicts (2 of 4 stars). 2 submissions from 2 submitters: Uncertain significance (2). Last evaluated 2025-08-12.

Allele frequency attached by ClinVar (database versions not stated): gnomAD exomes below 0.00001; TOPMed below 0.00001; gnomAD 0.00001.
gnomAD v4.1: 8 of 1,613,832 alleles (0.0005%); highest among the groups gnomAD compares: Admixed American, 0.0017%; no homozygotes.

Submissions (2):

Ambry Genetics
Classification: Uncertain significance. Last evaluated: 2025-08-12. Review status: criteria provided, single submitter. Criteria: Ambry Variant Classification Scheme 2023. Collection method: clinical testing. Allele origin: germline.

Labcorp Genetics (formerly Invitae), Labcorp
Classification: Uncertain significance. Last evaluated: 2024-11-14. Review status: criteria provided, single submitter. Criteria: Invitae Variant Classification Sherloc (09022015). Collection method: clinical testing. Allele origin: germline.
Comment: This sequence change replaces methionine, which is neutral and non-polar, with threonine, which is neutral and polar, at codon 401 of the NAF1 protein (p.Met401Thr). This variant is not present in population databases (gnomAD no frequency). This variant has not been reported in the literature in individuals affected with NAF1-related conditions. ClinVar contains an entry for this variant (Variation ID: 2704248). An algorithm developed to predict the effect of missense changes on protein structure and function (PolyPhen-2) suggests that this variant is likely to be tolerated. In summary, the available evidence is currently insufficient to determine the role of this variant in disease. Therefore, it has been classified as a Variant of Uncertain Significance.